The following is an entry in ClinVar:

ClinVar aggregate classification (germline): Uncertain significance. Review status: criteria provided, multiple submitters, no conflicts (2 of 4 stars). 2 submissions from 2 submitters: Uncertain significance (2). Last evaluated 2025-06-17.

Conditions:
Inborn genetic diseases. Identifiers: MedGen C0950123, MeSH D030342.

Allele frequency attached by ClinVar (database versions not stated): gnomAD 0.00003; TOPMed 0.00005; gnomAD exomes 0.00010 and 0.00013; ExAC 0.00012; 1000 Genomes Project 30x 0.00016; 1000 Genomes Project 0.00020; ESP Exome Variant Server 0.00031.
gnomAD v4.1: 197 of 1,609,508 alleles (0.012%); highest among the groups gnomAD compares: Non-Finnish European, 0.015%; no homozygotes.

Submissions (2):

Labcorp Genetics (formerly Invitae), Labcorp
Classification: Uncertain significance. Last evaluated: 2025-06-17. Review status: criteria provided, single submitter. Criteria: Invitae Variant Classification Sherloc (09022015). Collection method: clinical testing. Allele origin: germline.
Comment: This sequence change replaces valine, which is neutral and non-polar, with alanine, which is neutral and non-polar, at codon 375 of the GUCY2C protein (p.Val375Ala). This variant is present in population databases (rs147742759, gnomAD 0.02%). This variant has not been reported in the literature in individuals affected with GUCY2C-related conditions. ClinVar contains an entry for this variant (Variation ID: 1382388). Invitae Evidence Modeling of protein sequence and biophysical properties (such as structural, functional, and spatial information, amino acid conservation, physicochemical variation, residue mobility, and thermodynamic stability) indicates that this missense variant is not expected to disrupt GUCY2C protein function with a negative predictive value of 80%. In summary, the available evidence is currently insufficient to determine the role of this variant in disease. Therefore, it has been classified as a Variant of Uncertain Significance.

Ambry Genetics
Classification: Uncertain significance for Inborn genetic diseases. Last evaluated: 2025-01-07. Review status: criteria provided, single submitter. Criteria: Ambry Variant Classification Scheme 2023. Collection method: clinical testing. Allele origin: germline.

NM_004963.4(GUCY2C):c.1124T>C (p.Val375Ala)

Genes: GUCY2C (guanylate cyclase 2C; minus strand), GUCY2C-AS1 (GUCY2C antisense RNA 1; plus strand). Cytogenetic location: 12p12.3.
Variant type: single nucleotide variant.
Coding change: c.1124T>C on transcript NM_004963.4 (MANE Select); coding-DNA position 1124, T replaced by C.
Protein change: p.Val375Ala; replaces valine 375 with alanine.
Molecular consequence: missense variant.
Genome position (GRCh38, 1-based): chr12:14,672,919, A>G on the plus strand (T>C on the coding strand, the complement: GUCY2C is on the minus strand). VCF-style: chr12-14672919-A-G. GRCh37 (hg19) VCF-style: chr12-14825853-A-G.
Other names: c.1124T>C (NM_004963.3); short protein forms V375A.
Identifiers: ClinVar variation 1382388 (VCV001382388.8), dbSNP rs147742759, ClinGen allele CA6463533.